The following is an entry in ClinVar:

NM_000407.5(GP1BB):c.119G>A (p.Gly40Glu)

Genes: GP1BB (glycoprotein Ib platelet subunit beta; plus strand), SEPT5-GP1BB (SEPT5-GP1BB readthrough; plus strand). Cytogenetic location: 22q11.21.
Variant type: single nucleotide variant.
Coding change: c.119G>A on transcript NM_000407.5 (MANE Select); coding-DNA position 119, G replaced by A.
Protein change: p.Gly40Glu; replaces glycine 40 with glutamic acid.
Molecular consequence: missense variant. On other transcripts: non-coding transcript variant (2).
Genome position (GRCh38, 1-based): chr22:19,723,962, G>A. VCF-style: chr22-19723962-G-A. GRCh37 (hg19) VCF-style: chr22-19711485-G-A.
Other names: p.Gly40Glu; NM_000407.5(GP1BB):c.119G>A; short protein forms G40E.
Identifiers: ClinVar variation 731652 (VCV000731652.32), dbSNP rs375285857, ClinGen allele CA10102315.

ClinVar aggregate classification (germline): Benign. Review status: reviewed by expert panel (3 of 4 stars). 8 submissions from 8 submitters: Benign (1). 7 of the submissions do not count toward it. Last evaluated 2025-02-11.

Conditions:
GP1BB-related disorder. Also called: GP1BB-related condition.
Bernard Soulier syndrome (BSS). Also called: Platelet Glycoprotein 1b, Deficiency of; GLYCOPROTEIN Ib, PLATELET, DEFICIENCY OF; PLATELET GLYCOPROTEIN Ib DEFICIENCY; VON WILLEBRAND FACTOR RECEPTOR DEFICIENCY; Giant platelet syndrome; Hemorrhagiparous thrombocytic dystrophy. Identifiers: Orphanet 274, MedGen C0005129, MeSH D001606, MONDO:0009276, OMIM 231200.

Allele frequency attached by ClinVar (database versions not stated): TOPMed 0.00139; 1000 Genomes Project 30x 0.00141; gnomAD exomes 0.00153 and 0.00160; ExAC 0.00220; ESP Exome Variant Server 0.00039; 1000 Genomes Project 0.00100; gnomAD 0.00115.
gnomAD v4.1: 2,387 of 1,524,650 alleles (0.16%); highest among the groups gnomAD compares: Admixed American, 0.26%; 6 homozygotes.

Submissions (8):

ClinGen Platelet Disorders Variant Curation Expert Panel, ClinGen
Classification: Benign for Bernard Soulier syndrome. Last evaluated: 2025-02-11. Review status: reviewed by expert panel. Criteria: ClinGen Platelet ACMG Specifications GP1BB V1.0.0. Collection method: curation. Allele origin: germline. Inheritance: Autosomal recessive inheritance.
Comment: The NM_000407.5(GP1BB):c.119G>A variant in GP1BB is a missense variant predicted to cause substitution of glycine by glutamate at amino acid 40 (p.Gly40Glu). The Grpmax Filtering allele frequency in gnomAD v4.1 is 0.002267 (based on 133/50540 alleles) in the Admixed American population, which is higher than the ClinGen PD VCEP threshold (>0.001), and therefore meets this criterion (BA1). This variant has not been reported in relation to Bernard-Soulier Syndrome but is a known platelet antigen (HPA-12b, originally reported as Iy(a) in PMID: 10688847). In summary, this variant meets the criteria to be classified as Benign for autosomal recessive Bernard-Soulier syndrome based on the ACMG/AMP criteria applied, as specified by the ClinGen PD VCEP: BA1.

CeGaT Center for Human Genetics Tuebingen
Classification: Likely benign. Last evaluated: 2026-07-01. Review status: criteria provided, single submitter. Criteria: CeGaT Center For Human Genetics Tuebingen Variant Classification Criteria Version 2. Collection method: clinical testing. Allele origin: germline. Affected: yes. Observed: 2 variant alleles. Not counted in ClinVar's aggregate classification.
Comment: GP1BB: PP3, BS2

Blueprint Genetics
Classification: Likely benign. Last evaluated: 2024-11-21. Review status: criteria provided, single submitter. Criteria: ACMG Guidelines, 2015. Collection method: clinical testing. Allele origin: germline. Not counted in ClinVar's aggregate classification.

Mayo Clinic Laboratories, Mayo Clinic
Classification: Benign. Last evaluated: 2024-11-19. Review status: criteria provided, single submitter. Criteria: ACMG Guidelines, 2015. Collection method: clinical testing. Allele origin: germline. Observed: 2 variant alleles. Not counted in ClinVar's aggregate classification.
Comment: BS1, BS2, PM1_supporting

PreventionGenetics, part of Exact Sciences
Classification: Likely benign for GP1BB-related condition. Last evaluated: 2024-11-19. Review status: criteria provided, single submitter. Criteria: ACMG Guidelines, 2015. Collection method: clinical testing. Allele origin: germline. Not counted in ClinVar's aggregate classification.
Comment: This variant is classified as likely benign based on ACMG/AMP sequence variant interpretation guidelines (Richards et al. 2015 PMID: 25741868, with internal and published modifications).

GeneDx
Classification: Uncertain significance. Last evaluated: 2023-12-10. Review status: criteria provided, single submitter. Criteria: GeneDx Variant Classification Process June 2021. Collection method: clinical testing. Allele origin: germline. Affected: yes. Not counted in ClinVar's aggregate classification.
Comment: In silico analysis supports that this missense variant does not alter protein structure/function; This variant is associated with the following publications: (PMID: 28377559, 19548962, 24685245, 25370924, 28983057)

Fulgent Genetics
Classification: Likely benign for Bernard Soulier syndrome. Last evaluated: 2022-04-11. Review status: criteria provided, single submitter. Criteria: ACMG Guidelines, 2015. Collection method: clinical testing. Allele origin: unknown. Not counted in ClinVar's aggregate classification.

Labcorp Genetics (formerly Invitae), Labcorp
Classification: Benign. Last evaluated: 2019-12-31. Review status: criteria provided, single submitter. Criteria: Invitae Variant Classification Sherloc (09022015). Collection method: clinical testing. Allele origin: germline. Not counted in ClinVar's aggregate classification.

Literature cited by the submitters: PubMed 19548962 (cited by Mayo Clinic Laboratories, Mayo Clinic); PubMed 24685245 (cited by Mayo Clinic Laboratories, Mayo Clinic); PubMed 25370924 (cited by Mayo Clinic Laboratories, Mayo Clinic); PubMed 28561420 (cited by Mayo Clinic Laboratories, Mayo Clinic); PubMed 28983057 (cited by Mayo Clinic Laboratories, Mayo Clinic); PubMed 33216977 (cited by Mayo Clinic Laboratories, Mayo Clinic); PubMed 37160415 (cited by Mayo Clinic Laboratories, Mayo Clinic).